The following is an entry in ClinVar:

NM_016138.5(COQ7):c.507G>C (p.Gln169His)

Gene: COQ7 (coenzyme Q7, hydroxylase; plus strand). Cytogenetic location: 16p12.3.
Variant type: single nucleotide variant.
Coding change: c.507G>C on transcript NM_016138.5 (MANE Select); coding-DNA position 507, G replaced by C.
Protein change: p.Gln169His; replaces glutamine 169 with histidine.
Molecular consequence: missense variant. On other transcripts: non-coding transcript variant (3).
Genome position (GRCh38, 1-based): chr16:19,075,860, G>C. VCF-style: chr16-19075860-G-C. GRCh37 (hg19) VCF-style: chr16-19087182-G-C.
Other names: c.393G>C, p.Gln131His (NM_001190983.2, NM_001370492.1, NM_001370493.1 and 2 more transcripts); c.465G>C, p.Gln155His (NM_001370489.1, NM_001370491.1); c.507G>C, p.Gln169His (NM_001370490.1); c.507G>C (NM_016138.4); short protein forms Q131H, Q169H, Q155H.
Identifiers: ClinVar variation 1949115 (VCV001949115.3), dbSNP rs1419342928, ClinGen allele CA394923691.
Genomic context (GRCh38, chr16:19,075,860, plus strand): 5'-CAACAACCAGATCAGGACGCTGATGGAGGAGGACCCTGAAAAATACGAGGAACTTCTTCA[G>C]GTATTTATCCGTGCTCTAGAACGGGGCTGCTCAAGGAGGAAAATGGCAGATAGCAATTGG-3'
Protein context (NP_057222.2, residues 159-179): EDPEKYEELL[Gln169His]LIKKFRDEEL

ClinVar aggregate classification (germline): Uncertain significance. Review status: criteria provided, multiple submitters, no conflicts (2 of 4 stars). 2 submissions from 2 submitters: Uncertain significance (2). Last evaluated 2023-09-11.

Allele frequency attached by ClinVar (database versions not stated): gnomAD 0.00003.
gnomAD v4.1: 20 of 1,614,094 alleles (0.0012%); highest among the groups gnomAD compares: East Asian, 0.0022%; no homozygotes.

Submissions (2):

Women's Health and Genetics/Laboratory Corporation of America, LabCorp
Classification: Uncertain significance. Last evaluated: 2023-09-11. Review status: criteria provided, single submitter. Criteria: LabCorp Variant Classification Summary - May 2015. Collection method: clinical testing. Allele origin: germline.
Comment: Variant summary: COQ7 c.507G>C (p.Gln169His) results in a non-conservative amino acid change in the encoded protein sequence. Three of five in-silico tools predict a damaging effect of the variant on protein function. Several computational tools predict a significant impact on normal splicing: Three predict the variant abolishes a 5' splicing donor site and one predicts the variant weakens this site. However, these predictions have yet to be confirmed by functional studies. The variant allele was found at a frequency of 4e-06 in 251428 control chromosomes (gnomAD). The available data on variant occurrences in the general population are insufficient to allow any conclusion about variant significance. To our knowledge, no occurrence of c.507G>C in individuals affected with Primary Coenzyme Q10 Deficiency 8 and no experimental evidence demonstrating its impact on protein function have been reported. One submitter has cited a clinical-significance assessment for this variant to ClinVar after 2014 and has classified the variant as uncertain significance. Based on the evidence outlined above, the variant was classified as uncertain significance.

Labcorp Genetics (formerly Invitae), Labcorp
Classification: Uncertain significance. Last evaluated: 2022-06-04. Review status: criteria provided, single submitter. Criteria: Invitae Variant Classification Sherloc (09022015). Collection method: clinical testing. Allele origin: germline.
Comment: This sequence change replaces glutamine, which is neutral and polar, with histidine, which is basic and polar, at codon 169 of the COQ7 protein (p.Gln169His). This variant also falls at the last nucleotide of exon 4, which is part of the consensus splice site for this exon. This variant is present in population databases (no rsID available, gnomAD 0.002%). This variant has not been reported in the literature in individuals affected with COQ7-related conditions. Algorithms developed to predict the effect of missense changes on protein structure and function (SIFT, PolyPhen-2, Align-GVGD) all suggest that this variant is likely to be tolerated. Variants that disrupt the consensus splice site are a relatively common cause of aberrant splicing (PMID: 17576681, 9536098). Algorithms developed to predict the effect of sequence changes on RNA splicing suggest that this variant may disrupt the consensus splice site. In summary, the available evidence is currently insufficient to determine the role of this variant in disease. Therefore, it has been classified as a Variant of Uncertain Significance.

Literature cited by the submitters: PubMed 17576681 (cited by Labcorp Genetics (formerly Invitae), Labcorp); PubMed 9536098 (cited by Labcorp Genetics (formerly Invitae), Labcorp).